The following is an entry in ClinVar:

NC_000007.14:g.(?_45027705)_(45086112_?)del

Genes: NACAD (NAC alpha domain containing; minus strand), CCM2 (CCM2 scaffold protein; plus strand), LOC129998398 (ATAC-STARR-seq lymphoblastoid active region 25968; plus strand), LOC132090779 (Neanderthal introgressed variant-containing enhancer experimental_99227; plus strand). Cytogenetic location: 7p13.
Variant type: Deletion.
Identifiers: ClinVar variation 584080 (VCV000584080.1).

ClinVar aggregate classification (germline): Pathogenic (1 of 4 stars; one submission).

Conditions:
Cerebral cavernous malformation 2. Also called: Familial Cerebral Cavernous Malformation 2. Identifiers: Orphanet 221061, MedGen C1864041, MONDO:0011304, OMIM 603284.

Submission:

Labcorp Genetics (formerly Invitae), Labcorp
Classification: Pathogenic for Cerebral cavernous malformations 2. Last evaluated: 2017-12-13. Review status: criteria provided, single submitter. Criteria: Invitae Variant Classification Sherloc (09022015). Collection method: clinical testing. Allele origin: germline.
Comment: This variant is a gross deletion of the genomic region encompassing exons 2-10 of the CCM2 gene, which encodes ~98% of the total protein. The boundaries of this event are unknown, as the deletion extends beyond the assayed region for this gene and therefore may include exon 1 of the CCM2 gene (resulting in complete gene deletion) and/or encompass additional genes. Loss-of-function variants in CCM2 are known to be pathogenic. A deletion of exons 2-10 that is mediated by Alu repeat sequences in intron 1 and the intragenic region downstream of exon 10 has been reported in several individuals with cerebral cavernous malformations (PMID: 17160895). For these reasons, this variant has been classified as Pathogenic.

Literature cited by the submitters: PubMed 17160895.